The following is an entry in ClinVar:

ClinVar aggregate classification (germline): Pathogenic. Review status: criteria provided, multiple submitters, no conflicts (2 of 4 stars). 2 submissions from 2 submitters: Pathogenic (2). Last evaluated 2024-03-25.

Conditions:
Charcot-Marie-Tooth disease type 4H (CMT4H). Also called: CHARCOT-MARIE-TOOTH DISEASE, DEMYELINATING, TYPE 4H; CHARCOT-MARIE-TOOTH DISEASE, AUTOSOMAL RECESSIVE, TYPE 4H; CHARCOT-MARIE-TOOTH DISEASE, DEMYELINATING, AUTOSOMAL RECESSIVE, TYPE 4H; CHARCOT-MARIE-TOOTH NEUROPATHY, TYPE 4H. Identifiers: Orphanet 99954, MedGen C1836336, MONDO:0012250, OMIM 609311.

Submissions (2):

Genomic Medicine Center of Excellence, King Faisal Specialist Hospital and Research Centre
Classification: Pathogenic for Charcot-Marie-Tooth disease type 4H. Last evaluated: 2024-03-25. Review status: criteria provided, single submitter. Criteria: ACMG Guidelines, 2015. Collection method: research. Allele origin: germline.

GeneDx
Classification: Pathogenic. Last evaluated: 2018-07-31. Review status: criteria provided, single submitter. Criteria: GeneDx Variant Classification (06012015). Collection method: clinical testing. Allele origin: germline. Affected: yes.
Comment: The Y443X pathogenic variant in the FGD4 gene has been reported in association with Charcot-Marie-Tooth disease (Antoniadi et al. 2015). This variant is predicted to cause loss of normal protein function either through protein truncation or nonsense-mediated mRNA decay. The Y443X variant was not observed in approximately 6,500 individuals of European and African American ancestry in the NHLBI Exome Sequencing Project, indicating it is not a common benign variant in these populations. We interpret Y443X as a pathogenic variant.

NM_001370298.3(FGD4):c.1740C>A (p.Tyr580Ter)

Gene: FGD4 (FYVE, RhoGEF and PH domain containing 4; plus strand). Cytogenetic location: 12p11.21.
Variant type: single nucleotide variant.
Coding change: c.1740C>A on transcript NM_001370298.3 (MANE Select); coding-DNA position 1740, C replaced by A.
Protein change: p.Tyr580Ter; replaces tyrosine 580 with a stop codon.
Molecular consequence: nonsense.
Genome position (GRCh38, 1-based): chr12:32,611,274, C>A. VCF-style: chr12-32611274-C-A. GRCh37 (hg19) VCF-style: chr12-32764208-C-A.
Other names: c.1584C>A, p.Tyr528Ter (NM_001304481.2); c.585C>A, p.Tyr195Ter (NM_001304483.2); c.297C>A, p.Tyr99Ter (NM_001304484.2); c.1050C>A, p.Tyr350Ter (NM_001330373.2, NM_001330374.2, NM_001384130.1); c.777C>A, p.Tyr259Ter (NM_001370297.1); c.1740C>A, p.Tyr580Ter (NM_001384126.1); c.1329C>A, p.Tyr443Ter (NM_001384127.1, NM_001384128.1, NM_001385118.1 and 1 more transcripts); short protein forms Y443*, Y528*, Y195*, Y350*, Y99*, Y259*, Y580*.
Identifiers: ClinVar variation 279806 (VCV000279806.4), dbSNP rs886041200, ClinGen allele CA10603250.
Genomic context (GRCh38, chr12:32,611,274, plus strand): 5'-AATAAAAGAAGGACAGATCCTCAAACTAGCTGCTCGGAACACTTCAGCACAAGAACGCTA[C>A]CTTTTCTTAGTGAGTATTATAGTGTTGGCAAGTCATATAAGAATTATATATAAAAATATG-3'